The following is an entry in ClinVar:

NM_182961.4(SYNE1):c.25625G>A (p.Arg8542Gln)

Gene: SYNE1 (spectrin repeat containing nuclear envelope protein 1; minus strand). Cytogenetic location: 6q25.2.
Variant type: single nucleotide variant.
Coding change: c.25625G>A on transcript NM_182961.4 (MANE Select); coding-DNA position 25625, G replaced by A.
Protein change: p.Arg8542Gln; replaces arginine 8542 with glutamine.
Molecular consequence: missense variant.
Genome position (GRCh38, 1-based): chr6:152,136,652, C>T on the plus strand (G>A on the coding strand, the complement: SYNE1 is on the minus strand). VCF-style: chr6-152136652-C-T. GRCh37 (hg19) VCF-style: chr6-152457787-C-T.
Other names: c.25481G>A (NM_033071.3); c.2231G>A, p.Arg744Gln (NM_001347701.2); c.2159G>A, p.Arg720Gln (NM_001347702.2); c.25481G>A, p.Arg8494Gln (NM_033071.5); short protein forms R720Q, R8494Q, R8542Q, R744Q.
Identifiers: ClinVar variation 1497617 (VCV001497617.7), dbSNP rs538407539, ClinGen allele CA4052784.

ClinVar aggregate classification (germline): Uncertain significance. Review status: criteria provided, multiple submitters, no conflicts (2 of 4 stars). 3 submissions from 3 submitters: Uncertain significance (2). 1 of the submissions does not count toward it. Last evaluated 2024-11-19.

Conditions:
Autosomal recessive ataxia, Beauce type. Also called: SYNE1-Related Autosomal Recessive Cerebellar Ataxia; Spinocerebellar ataxia, autosomal recessive 8; ATAXIA, RECESSIVE, OF BEAUCE; SYNE1 Deficiency. Identifiers: Orphanet 88644, MedGen C1853116, MONDO:0012549, OMIM 610743.
Emery-Dreifuss muscular dystrophy 4, autosomal dominant (EDMD4). Also called: EMERY-DREIFUSS MUSCULAR DYSTROPHY 4 WITH VARIABLE FEATURES. Identifiers: Orphanet 261, MedGen C2751807, MONDO:0013071, OMIM 612998.
SYNE1-related disorder. Also called: SYNE1-related disorders; SYNE1-related disease; SYNE1-related condition.

Allele frequency attached by ClinVar (database versions not stated): ExAC 0.00002; gnomAD exomes 0.00002; TOPMed 0.00006; gnomAD 0.00008 and 0.00009; 1000 Genomes Project 0.00020; 1000 Genomes Project 30x 0.00031.
gnomAD v4.1: 37 of 1,614,018 alleles (0.0023%); highest among the groups gnomAD compares: African/African-American, 0.015%; no homozygotes.

Submissions (3):

GeneDx
Classification: Uncertain significance. Last evaluated: 2024-11-19. Review status: criteria provided, single submitter. Criteria: GeneDx Variant Classification Process June 2021. Collection method: clinical testing. Allele origin: germline. Affected: yes.
Comment: In silico analysis supports that this missense variant has a deleterious effect on protein structure/function; Has not been previously published as pathogenic or benign to our knowledge

Labcorp Genetics (formerly Invitae), Labcorp
Classification: Uncertain significance for Emery-Dreifuss muscular dystrophy 4, autosomal dominant; Autosomal recessive ataxia, Beauce type. Last evaluated: 2023-07-30. Review status: criteria provided, single submitter. Criteria: Invitae Variant Classification Sherloc (09022015). Collection method: clinical testing. Allele origin: germline.
Comment: ClinVar contains an entry for this variant (Variation ID: 1497617). In summary, the available evidence is currently insufficient to determine the role of this variant in disease. Therefore, it has been classified as a Variant of Uncertain Significance. Algorithms developed to predict the effect of missense changes on protein structure and function output the following: SIFT: "Not Available"; PolyPhen-2: "Benign"; Align-GVGD: "Not Available". The glutamine amino acid residue is found in multiple mammalian species, which suggests that this missense change does not adversely affect protein function. This variant has not been reported in the literature in individuals affected with SYNE1-related conditions. This variant is present in population databases (rs538407539, gnomAD 0.02%). This sequence change replaces arginine, which is basic and polar, with glutamine, which is neutral and polar, at codon 8494 of the SYNE1 protein (p.Arg8494Gln).

PreventionGenetics, part of Exact Sciences
Classification: Uncertain significance for SYNE1-related condition. Last evaluated: 2024-06-27. Review status: no assertion criteria provided. Collection method: clinical testing. Allele origin: germline. Not counted in ClinVar's aggregate classification.
Comment: The SYNE1 c.25481G>A variant is predicted to result in the amino acid substitution p.Arg8494Gln. To our knowledge, this variant has not been reported in the literature. This variant is reported in 0.024% of alleles in individuals of African descent in gnomAD. At this time, the clinical significance of this variant is uncertain due to the absence of conclusive functional and genetic evidence.